The following is an entry in ClinVar:

NM_005591.4(MRE11):c.89C>G (p.Ala30Gly)

Gene: MRE11 (MRE11 double strand break repair nuclease; minus strand). Cytogenetic location: 11q21.
Variant type: single nucleotide variant.
Coding change: c.89C>G on transcript NM_005591.4 (MANE Select); coding-DNA position 89, C replaced by G.
Protein change: p.Ala30Gly; replaces alanine 30 with glycine.
Molecular consequence: missense variant.
Genome position (GRCh38, 1-based): chr11:94,490,897, G>C on the plus strand (C>G on the coding strand, the complement: MRE11 is on the minus strand). VCF-style: chr11-94490897-G-C. GRCh37 (hg19) VCF-style: chr11-94224063-G-C.
Other names: c.89C>G, p.Ala30Gly (NM_001330347.2, NM_005590.4); short protein forms A30G.
Identifiers: ClinVar variation 1800156 (VCV001800156.2), dbSNP rs2135141215, ClinGen allele CA382380793.

ClinVar aggregate classification (germline): Uncertain significance (1 of 4 stars; one submission).

Conditions:
Hereditary cancer-predisposing syndrome. Also called: Neoplastic Syndromes, Hereditary; Tumor predisposition; Hereditary Cancer Syndrome; Hereditary neoplastic syndrome. Identifiers: Orphanet 140162, MedGen C0027672, MeSH D009386, MONDO:0015356.

Submission:

Ambry Genetics
Classification: Uncertain significance for Hereditary cancer-predisposing syndrome. Last evaluated: 2019-12-31. Review status: criteria provided, single submitter. Criteria: Ambry Variant Classification Scheme 2023. Collection method: clinical testing. Allele origin: germline.
Comment: The p.A30G variant (also known as c.89C>G), located in coding exon 2 of the MRE11A gene, results from a C to G substitution at nucleotide position 89. The alanine at codon 30 is replaced by glycine, an amino acid with similar properties. This amino acid position is well conserved in available vertebrate species. In addition, the in silico prediction for this alteration is inconclusive. Since supporting evidence is limited at this time, the clinical significance of this alteration remains unclear.